The following is an entry in ClinVar:

NM_181882.3(PRX):c.1651G>A (p.Val551Met)

Gene: PRX (periaxin; minus strand). Cytogenetic location: 19q13.2.
Variant type: single nucleotide variant.
Coding change: c.1651G>A on transcript NM_181882.3 (MANE Select); coding-DNA position 1651, G replaced by A.
Protein change: p.Val551Met; replaces valine 551 with methionine.
Molecular consequence: missense variant. On other transcripts: 3 prime UTR variant (1).
Genome position (GRCh38, 1-based): chr19:40,396,701, C>T on the plus strand (G>A on the coding strand, the complement: PRX is on the minus strand). VCF-style: chr19-40396701-C-T. GRCh37 (hg19) VCF-style: chr19-40902608-C-T.
Other names: c.*1856G>A (NM_020956.2); short protein forms V551M.
Identifiers: ClinVar variation 245732 (VCV000245732.40), dbSNP rs61733448, ClinGen allele CA9444221.

ClinVar aggregate classification (germline): Conflicting classifications of pathogenicity. Review status: criteria provided, conflicting classifications (1 of 4 stars). 10 submissions from 10 submitters: Uncertain significance (2); Benign (2); Likely benign (5). 1 of the submissions does not count toward it. Last evaluated 2026-07-01.

Conditions:
PRX-related disorder. Also called: PRX-Related Disorders; PRX-related condition.
Inborn genetic diseases. Identifiers: MedGen C0950123, MeSH D030342.
Charcot-Marie-Tooth disease. Also called: Charcot-Marie-Tooth Hereditary Neuropathy; Charcot-Marie-Tooth Neuropathy. Identifiers: Orphanet 166, MedGen C0007959, MONDO:0015626.
Charcot-Marie-Tooth disease type 4. Also called: Charcot-Marie-Tooth disease, type IV; Charcot-Marie-Tooth, Type 4. Identifiers: Orphanet 64749, MedGen C4082197, MONDO:0018995.
Charcot-Marie-Tooth disease type 4F. Also called: Charcot-Marie-Tooth disease, demyelinating, type 4F. Identifiers: Orphanet 99952, MedGen C3540453, MONDO:0013959, OMIM 614895.

Allele frequency attached by ClinVar (database versions not stated): 1000 Genomes Project 0.00040; gnomAD 0.00047 and 0.00050; 1000 Genomes Project 30x 0.00062; ExAC 0.00085; gnomAD exomes 0.00091 and 0.00093; ESP Exome Variant Server 0.00092.

Submissions (10):

CeGaT Center for Human Genetics Tuebingen
Classification: Likely benign. Last evaluated: 2026-07-01. Review status: criteria provided, single submitter. Criteria: CeGaT Center For Human Genetics Tuebingen Variant Classification Criteria Version 2. Collection method: clinical testing. Allele origin: germline. Affected: yes. Observed: 2 variant alleles.
Comment: PRX: BP4

Labcorp Genetics (formerly Invitae), Labcorp
Classification: Likely benign for Charcot-Marie-Tooth disease type 4. Last evaluated: 2026-01-28. Review status: criteria provided, single submitter. Criteria: Invitae Variant Classification Sherloc (09022015). Collection method: clinical testing. Allele origin: germline.

Blueprint Genetics
Classification: Uncertain significance. Last evaluated: 2024-11-26. Review status: criteria provided, single submitter. Criteria: ACMG Guidelines, 2015. Collection method: clinical testing. Allele origin: germline.

ARUP Laboratories, Molecular Genetics and Genomics, ARUP Laboratories
Classification: Likely benign. Last evaluated: 2024-10-30. Review status: criteria provided, single submitter. Criteria: ARUP Molecular Germline Variant Investigation Process 2024. Collection method: clinical testing. Allele origin: germline.

Athena Diagnostics
Classification: Benign. Last evaluated: 2024-05-21. Review status: criteria provided, single submitter. Criteria: Athena Diagnostics Criteria. Collection method: clinical testing. Allele origin: unknown.

Ambry Genetics
Classification: Benign for Inborn genetic diseases. Last evaluated: 2024-02-26. Review status: criteria provided, single submitter. Criteria: Ambry Variant Classification Scheme 2023. Collection method: clinical testing. Allele origin: germline.

GeneDx
Classification: Likely benign. Last evaluated: 2019-12-17. Review status: criteria provided, single submitter. Criteria: GeneDx Variant Classification Process June 2021. Collection method: clinical testing. Allele origin: germline. Affected: yes.
Comment: This variant is associated with the following publications: (PMID: 32376792)

Illumina Laboratory Services, Illumina
Classification: Uncertain significance for Charcot-Marie-Tooth disease type 4F. Last evaluated: 2018-01-13. Review status: criteria provided, single submitter. Criteria: ICSL Variant Classification Criteria 13 December 2019. Collection method: clinical testing. Allele origin: germline.

Molecular Genetics Laboratory, London Health Sciences Centre
Classification: Likely benign for Charcot-Marie-Tooth disease. Review status: criteria provided, single submitter. Criteria: ACMG Guidelines, 2015. Collection method: clinical testing. Allele origin: germline. Affected: yes.

PreventionGenetics, part of Exact Sciences
Classification: Benign for PRX-related condition. Last evaluated: 2019-10-16. Review status: no assertion criteria provided. Collection method: clinical testing. Allele origin: germline. Not counted in ClinVar's aggregate classification.
Comment: This variant is classified as benign based on ACMG/AMP sequence variant interpretation guidelines (Richards et al. 2015 PMID: 25741868, with internal and published modifications).

Literature cited by the submitters: PubMed 28945198 (cited by Athena Diagnostics).